The following is an entry in ClinVar:

ClinVar aggregate classification (germline): Uncertain significance. Review status: criteria provided, multiple submitters, no conflicts (2 of 4 stars). 2 submissions from 2 submitters: Uncertain significance (2). Last evaluated 2024-01-29.

Conditions:
Rienhoff syndrome. Also called: LOEYS-DIETZ SYNDROME 5. Identifiers: MedGen C3810012, MONDO:0014262, OMIM 615582.

Submissions (2):

Labcorp Genetics (formerly Invitae), Labcorp
Classification: Uncertain significance for Rienhoff syndrome. Last evaluated: 2024-01-29. Review status: criteria provided, single submitter. Criteria: Invitae Variant Classification Sherloc (09022015). Collection method: clinical testing. Allele origin: germline.
Comment: This variant, c.937_939del, results in the deletion of 1 amino acid(s) of the TGFB3 protein (p.Glu313del), but otherwise preserves the integrity of the reading frame. This variant is present in population databases (rs760903557, gnomAD 0.01%). This variant has not been reported in the literature in individuals affected with TGFB3-related conditions. ClinVar contains an entry for this variant (Variation ID: 477648). Experimental studies and prediction algorithms are not available or were not evaluated, and the functional significance of this variant is currently unknown. In summary, the available evidence is currently insufficient to determine the role of this variant in disease. Therefore, it has been classified as a Variant of Uncertain Significance.

GeneDx
Classification: Uncertain significance. Last evaluated: 2023-06-29. Review status: criteria provided, single submitter. Criteria: GeneDx Variant Classification Process June 2021. Collection method: clinical testing. Allele origin: germline. Affected: yes.
Comment: Has not been previously published as pathogenic or benign to our knowledge; Not observed at significant frequency in large population cohorts (gnomAD); In-frame deletion of 1 amino acid in a non-repeat region; In silico analysis supports a deleterious effect on protein structure/function

NM_003239.5(TGFB3):c.934GAG[1] (p.Glu313del)

Gene: TGFB3 (transforming growth factor beta 3; minus strand). Cytogenetic location: 14q24.3.
Variant type: Microsatellite.
Coding change: c.934GAG[1] on transcript NM_003239.5 (MANE Select); one copy of the 3-base unit GAG starting at c.934; the reference has two copies in a row; one copy, 3 bases deleted; also written c.937_939del.
Protein change: p.Glu313del; deletes glutamic acid 313.
Molecular consequence: inframe deletion.
Genome position (GRCh38, 1-based): chr14:75,961,064-75,961,066, CTC deleted on the plus strand (GAG on the coding strand, the reverse complement: TGFB3 is on the minus strand); deleting any 3 consecutive bases within chr14:75,961,064-75,961,070 gives the same sequence; the position shown is the placement nearest the transcript's 3' end. VCF-style (leftmost placement, unchanged base first): chr14-75961063-TCTC-T. GRCh37 (hg19) VCF-style: chr14-76427406-TCTC-T.
Other names: c.937_939del (NM_003239.2); c.934GAG[1], p.Glu313del (NM_001329939.2); short protein forms E313del.
Identifiers: ClinVar variation 477648 (VCV000477648.10), dbSNP rs760903557, ClinGen allele CA7280295.
Genomic context (GRCh38, chr14:75,961,063, plus strand): 5'-GGACCCACTTCCAGCCCAGATCCTGTCGGAAGTCAATGTAGAGGGGGCGCACACAGCAGT[TCTC>T]CTCCAAGTTGCTACAACAAAAAACATTTATAGAAAATCAACTTAAAACCACCAATAAAAG-3'